The following is an entry in ClinVar:

NM_003072.5(SMARCA4):c.4347G>C (p.Glu1449Asp)

Gene: SMARCA4 (SWI/SNF related BAF chromatin remodeling complex subunit ATPase 4; plus strand). Cytogenetic location: 19p13.2.
Variant type: single nucleotide variant.
Coding change: c.4347G>C on transcript NM_003072.5 (MANE Select); coding-DNA position 4347, G replaced by C.
Protein change: p.Glu1449Asp; replaces glutamic acid 1449 with aspartic acid.
Molecular consequence: missense variant. On other transcripts: non-coding transcript variant (1).
Genome position (GRCh38, 1-based): chr19:11,041,483, G>C. VCF-style: chr19-11041483-G-C. GRCh37 (hg19) VCF-style: chr19-11152159-G-C.
Other names: c.4257G>C, p.Glu1419Asp (NM_001128845.2, NM_001128846.2); c.4347G>C, p.Glu1449Asp (NM_001128844.3); c.4248G>C, p.Glu1416Asp (NM_001128847.4, NM_001128848.2, NM_001374457.1); c.4443G>C, p.Glu1481Asp (NM_001128849.3, NM_001387283.1); c.4344G>C, p.Glu1448Asp (NM_001411150.1); short protein forms E1419D, E1449D, E1416D, E1481D, E1448D.
Identifiers: ClinVar variation 5029844 (VCV005029844.1).
Genomic context (GRCh38, chr19:11,041,483, plus strand): 5'-CAGCCGCGACAAGGACGACGAGAGCAAGAAGCAGAAGAAGCGCGGGCGGCCGCCTGCCGA[G>C]AAACTCTCCCCTAACCCACCCAACCTCACCAAGAAGATGAAGAAGATTGTGGATGCCGTG-3'
Protein context (NP_003063.2, residues 1439-1459): KQKKRGRPPA[Glu1449Asp]KLSPNPPNLT

ClinVar aggregate classification (germline): Uncertain significance (1 of 4 stars; one submission).

Conditions:
Hereditary cancer-predisposing syndrome. Also called: Neoplastic Syndromes, Hereditary; Tumor predisposition; Hereditary neoplastic syndrome; Hereditary Cancer Syndrome. Identifiers: Orphanet 140162, MedGen C0027672, MeSH D009386, MONDO:0015356.

Submission:

Ambry Genetics
Classification: Uncertain significance for Hereditary cancer-predisposing syndrome. Last evaluated: 2026-07-07. Review status: criteria provided, single submitter. Criteria: Ambry Variant Classification Scheme 2023. Collection method: clinical testing. Allele origin: germline.
Comment: The p.E1481D variant (also known as c.4443G>C), located in coding exon 30 of the SMARCA4 gene, results from a G to C substitution at nucleotide position 4443. The glutamic acid at codon 1481 is replaced by aspartic acid, an amino acid with highly similar properties. This amino acid position is conserved. In addition, this alteration is predicted to be tolerated by in silico analysis. Based on the available evidence, the clinical significance of this variant remains unclear.